The following is an entry in ClinVar:

NM_001148.6(ANK2):c.6824C>T (p.Ser2275Leu)

Genes: ANK2 (ankyrin 2; plus strand), LOC126807137 (CDK7 strongly-dependent group 2 enhancer GRCh37_chr4:114276560-114277759; plus strand). Cytogenetic location: 4q26.
Variant type: single nucleotide variant.
Coding change: c.6824C>T on transcript NM_001148.6 (MANE Select); coding-DNA position 6824, C replaced by T.
Protein change: p.Ser2275Leu; replaces serine 2275 with leucine.
Molecular consequence: missense variant. On other transcripts: intron variant (68).
Genome position (GRCh38, 1-based): chr4:113,355,442, C>T. VCF-style: chr4-113355442-C-T. GRCh37 (hg19) VCF-style: chr4-114276598-C-T.
Other names: c.6590C>T, p.Ser2197Leu (NM_001386142.1); c.3224C>T, p.Ser1075Leu (NM_001386166.1); c.6965C>T, p.Ser2322Leu (NM_001386174.1); c.6941C>T, p.Ser2314Leu (NM_001386175.1); c.4411+5193C>T (NM_001386186.2, NM_001386148.2); c.4213+5193C>T (NM_001354269.3); c.4291+5193C>T (NM_001386187.2); c.4252+5193C>T (NM_001386147.1); and 35 more; short protein forms S2314L, S2322L, S2197L, S2275L, S1075L.
Identifiers: ClinVar variation 2961310 (VCV002961310.4), dbSNP rs866483486, ClinGen allele CA103814659.

ClinVar aggregate classification (germline): Uncertain significance. Review status: criteria provided, multiple submitters, no conflicts (2 of 4 stars). 2 submissions from 2 submitters: Uncertain significance (2). Last evaluated 2024-04-28.

Conditions:
Cardiovascular phenotype. Identifiers: MedGen CN230736.
Long QT syndrome (LQTS). Identifiers: MedGen C0023976, MeSH D008133, MONDO:0002442. Disease mechanism: loss of function. Inheritance: Various modes of inheritance.

Allele frequency attached by ClinVar (database versions not stated): gnomAD exomes 0.00001; TOPMed 0.00001.

Submissions (2):

Ambry Genetics
Classification: Uncertain significance for Cardiovascular phenotype. Last evaluated: 2024-04-28. Review status: criteria provided, single submitter. Criteria: Ambry Variant Classification Scheme 2023. Collection method: clinical testing. Allele origin: germline.
Comment: The p.S2275L variant (also known as c.6824C>T), located in coding exon 38 of the ANK2 gene, results from a C to T substitution at nucleotide position 6824. The serine at codon 2275 is replaced by leucine, an amino acid with dissimilar properties. This amino acid position is conserved. In addition, this alteration is predicted to be tolerated by in silico analysis. Based on the available evidence, the clinical significance of this variant remains unclear.

Labcorp Genetics (formerly Invitae), Labcorp
Classification: Uncertain significance for Long QT syndrome. Last evaluated: 2024-01-31. Review status: criteria provided, single submitter. Criteria: Invitae Variant Classification Sherloc (09022015). Collection method: clinical testing. Allele origin: germline.
Comment: This sequence change replaces serine, which is neutral and polar, with leucine, which is neutral and non-polar, at codon 2275 of the ANK2 protein (p.Ser2275Leu). This variant is present in population databases (no rsID available, gnomAD 0.0009%). This variant has not been reported in the literature in individuals affected with ANK2-related conditions. Algorithms developed to predict the effect of missense changes on protein structure and function output the following: SIFT: "Not Available"; PolyPhen-2: "Benign"; Align-GVGD: "Not Available". The leucine amino acid residue is found in multiple mammalian species, which suggests that this missense change does not adversely affect protein function. In summary, the available evidence is currently insufficient to determine the role of this variant in disease. Therefore, it has been classified as a Variant of Uncertain Significance.